The following is an entry in ClinVar:

NM_004304.5(ALK):c.2270T>C (p.Val757Ala)

Gene: ALK (ALK receptor tyrosine kinase; minus strand). Cytogenetic location: 2p23.2.
Variant type: single nucleotide variant.
Coding change: c.2270T>C on transcript NM_004304.5 (MANE Select); coding-DNA position 2270, T replaced by C.
Protein change: p.Val757Ala; replaces valine 757 with alanine.
Molecular consequence: missense variant.
Genome position (GRCh38, 1-based): chr2:29,239,765, A>G on the plus strand (T>C on the coding strand, the complement: ALK is on the minus strand). VCF-style: chr2-29239765-A-G. GRCh37 (hg19) VCF-style: chr2-29462631-A-G.
Other names: c.2270T>C (NM_004304.4); short protein forms V757A.
Identifiers: ClinVar variation 1061860 (VCV001061860.10), dbSNP rs781098925, ClinGen allele CA1594371.
Genomic context (GRCh38, chr2:29,239,765, plus strand): 5'-TGCCCAACCAGGATGTACAGCATGTCATCCTTCTCCAGGTTGAAGATGCCCAGCACAGAC[A>G]CGCCGTGGGACCGCATCATGGTGTTCTTCCCGCCTTTCCCGCCAGCAGCTCCGTAGCCCG-3'
Protein context (NP_004295.2, residues 747-767): GKNTMMRSHG[Val757Ala]SVLGIFNLEK

ClinVar aggregate classification (germline): Uncertain significance. Review status: criteria provided, multiple submitters, no conflicts (2 of 4 stars). 2 submissions from 2 submitters: Uncertain significance (2). Last evaluated 2024-10-23.

Conditions:
Hereditary cancer-predisposing syndrome. Also called: Tumor predisposition; Neoplastic Syndromes, Hereditary; Hereditary Cancer Syndrome; Hereditary neoplastic syndrome. Identifiers: Orphanet 140162, MedGen C0027672, MeSH D009386, MONDO:0015356.
Neuroblastoma, susceptibility to, 3. Also called: ALK-Related Neuroblastic Tumor Susceptibility. Identifiers: Orphanet 635, MedGen C2751681, MONDO:0013083, OMIM 613014.

Allele frequency attached by ClinVar (database versions not stated): gnomAD exomes below 0.00001; ExAC 0.00001.
gnomAD v4.1: 1 of 1,614,024 alleles (0.000062%); highest among the groups gnomAD compares: Non-Finnish European, 0.000085%; no homozygotes.

Submissions (2):

Ambry Genetics
Classification: Uncertain significance for Hereditary cancer-predisposing syndrome. Last evaluated: 2024-10-23. Review status: criteria provided, single submitter. Criteria: Ambry Variant Classification Scheme 2023. Collection method: clinical testing. Allele origin: germline.
Comment: The p.V757A variant (also known as c.2270T>C), located in coding exon 13 of the ALK gene, results from a T to C substitution at nucleotide position 2270. The valine at codon 757 is replaced by alanine, an amino acid with similar properties. This amino acid position is conserved. In addition, this alteration is predicted to be tolerated by in silico analysis. Based on the available evidence, the clinical significance of this variant remains unclear.

Labcorp Genetics (formerly Invitae), Labcorp
Classification: Uncertain significance for Neuroblastoma, susceptibility to, 3. Last evaluated: 2024-09-30. Review status: criteria provided, single submitter. Criteria: Invitae Variant Classification Sherloc (09022015). Collection method: clinical testing. Allele origin: germline.
Comment: This sequence change replaces valine, which is neutral and non-polar, with alanine, which is neutral and non-polar, at codon 757 of the ALK protein (p.Val757Ala). This variant is present in population databases (rs781098925, gnomAD 0.0009%). This variant has not been reported in the literature in individuals affected with ALK-related conditions. ClinVar contains an entry for this variant (Variation ID: 1061860). An algorithm developed to predict the effect of missense changes on protein structure and function (PolyPhen-2) suggests that this variant is likely to be disruptive. In summary, the available evidence is currently insufficient to determine the role of this variant in disease. Therefore, it has been classified as a Variant of Uncertain Significance.